The following is an entry in ClinVar:

NM_003119.4(SPG7):c.1769C>A (p.Ala590Asp)

Gene: SPG7 (SPG7 matrix AAA peptidase subunit, paraplegin; plus strand). Cytogenetic location: 16q24.3.
Variant type: single nucleotide variant.
Coding change: c.1769C>A on transcript NM_003119.4 (MANE Select); coding-DNA position 1769, C replaced by A.
Protein change: p.Ala590Asp; replaces alanine 590 with aspartic acid.
Molecular consequence: missense variant.
Genome position (GRCh38, 1-based): chr16:89,550,599, C>A. VCF-style: chr16-89550599-C-A. GRCh37 (hg19) VCF-style: chr16-89617007-C-A.
Other names: c.1769C>A, p.Ala590Asp (NM_001363850.1); short protein forms A590D.
Identifiers: ClinVar variation 2994114 (VCV002994114.4), dbSNP rs1196107974, ClinGen allele CA397431292.

ClinVar aggregate classification (germline): Uncertain significance. Review status: criteria provided, multiple submitters, no conflicts (2 of 4 stars). 2 submissions from 2 submitters: Uncertain significance (2). Last evaluated 2023-12-13.

Conditions:
Hereditary spastic paraplegia 7 (SPG7). Also called: SPASTIC PARAPLEGIA 7, AUTOSOMAL RECESSIVE, WITH OR WITHOUT CEREBELLAR ATAXIA; Spastic paraplegia 7; Hereditary spastic paraplegia Paraplegin type; SPG7-related neurologic disorder; Autosomal recessive spastic paraplegia type 7. Identifiers: Orphanet 99013, MedGen C1846564, MONDO:0011803, OMIM 607259.

Submissions (2):

Labcorp Genetics (formerly Invitae), Labcorp
Classification: Uncertain significance for Hereditary spastic paraplegia 7. Last evaluated: 2023-12-13. Review status: criteria provided, single submitter. Criteria: Invitae Variant Classification Sherloc (09022015). Collection method: clinical testing. Allele origin: germline.
Comment: This sequence change replaces alanine, which is neutral and non-polar, with aspartic acid, which is acidic and polar, at codon 590 of the SPG7 protein (p.Ala590Asp). This variant is not present in population databases (gnomAD no frequency). This variant has not been reported in the literature in individuals affected with SPG7-related conditions. Advanced modeling of protein sequence and biophysical properties (such as structural, functional, and spatial information, amino acid conservation, physicochemical variation, residue mobility, and thermodynamic stability) performed at Invitae indicates that this missense variant is not expected to disrupt SPG7 protein function with a negative predictive value of 80%. In summary, the available evidence is currently insufficient to determine the role of this variant in disease. Therefore, it has been classified as a Variant of Uncertain Significance.

Blueprint Genetics
Classification: Uncertain significance. Last evaluated: 2019-07-12. Review status: criteria provided, single submitter. Criteria: ACMG Guidelines, 2015. Collection method: clinical testing. Allele origin: germline.